The following is an entry in ClinVar:

ClinVar aggregate classification (germline): Uncertain significance (1 of 4 stars; one submission).

Submission:

GeneDx
Classification: Uncertain significance. Last evaluated: 2026-09-18. Review status: criteria provided, single submitter. Criteria: GeneDx Variant Classification Process June 2021. Collection method: clinical testing. Allele origin: germline.
Comment: Not observed at significant frequency in large population cohorts (gnomAD); In silico analysis supports that this missense variant has a deleterious effect on protein structure/function; Has not been previously published as pathogenic or benign to our knowledge

NM_001244008.2(KIF1A):c.1481T>C (p.Val494Ala)

Gene: KIF1A (kinesin family member 1A; minus strand). Cytogenetic location: 2q37.3.
Variant type: single nucleotide variant.
Coding change: c.1481T>C on transcript NM_001244008.2 (MANE Select); coding-DNA position 1481, T replaced by C.
Protein change: p.Val494Ala; replaces valine 494 with alanine.
Molecular consequence: missense variant.
Genome position (GRCh38, 1-based): chr2:240,769,149, A>G on the plus strand (T>C on the coding strand, the complement: KIF1A is on the minus strand). VCF-style: chr2-240769149-A-G. GRCh37 (hg19) VCF-style: chr2-241708566-A-G.
Other names: c.1454T>C, p.Val485Ala (NM_001379642.1, NM_001379645.1, NM_001379649.1 and 10 more transcripts); c.1556T>C, p.Val519Ala (NM_001379646.1, NM_001330290.2, NM_001379631.1 and 2 more transcripts); c.1529T>C, p.Val510Ala (NM_001379648.1, NM_001379637.1); c.1481T>C, p.Val494Ala (NM_001320705.2, NM_001330289.2, NM_001379638.1); short protein forms V485A, V494A, V510A, V519A.
Identifiers: ClinVar variation 3764306 (VCV003764306.2).